The following is an entry in ClinVar:

NM_013266.4(CTNNA3):c.946G>T (p.Asp316Tyr)

Gene: CTNNA3 (catenin alpha 3; minus strand). Cytogenetic location: 10q21.3.
Variant type: single nucleotide variant.
Coding change: c.946G>T on transcript NM_013266.4 (MANE Select); coding-DNA position 946, G replaced by T.
Protein change: p.Asp316Tyr; replaces aspartic acid 316 with tyrosine.
Molecular consequence: missense variant.
Genome position (GRCh38, 1-based): chr10:67,180,418, C>A on the plus strand (G>T on the coding strand, the complement: CTNNA3 is on the minus strand). VCF-style: chr10-67180418-C-A. GRCh37 (hg19) VCF-style: chr10-68940176-C-A.
Other names: c.946G>T, p.Asp316Tyr (NM_001127384.3); c.982G>T, p.Asp328Tyr (NM_001291133.2); short protein forms D316Y, D328Y.
Identifiers: ClinVar variation 3837198 (VCV003837198.1).

ClinVar aggregate classification (germline): Uncertain significance (1 of 4 stars; one submission).

gnomAD v4.1: 2 of 1,613,768 alleles (0.00012%); highest among the groups gnomAD compares: African/African-American, 0.0013%; no homozygotes.

Submission:

Ambry Genetics
Classification: Uncertain significance. Last evaluated: 2024-12-20. Review status: criteria provided, single submitter. Criteria: Ambry Variant Classification Scheme 2023. Collection method: clinical testing. Allele origin: germline.
Comment: The p.D316Y variant (also known as c.946G>T), located in coding exon 6 of the CTNNA3 gene, results from a G to T substitution at nucleotide position 946. The aspartic acid at codon 316 is replaced by tyrosine, an amino acid with highly dissimilar properties. This amino acid position is conserved. In addition, this alteration is predicted to be deleterious by in silico analysis. Based on the available evidence, the clinical significance of this variant remains unclear.